The following is an entry in ClinVar:

ClinVar aggregate classification (germline): Conflicting classifications of pathogenicity. Review status: criteria provided, conflicting classifications (1 of 4 stars). 4 submissions from 4 submitters: Uncertain significance (2); Likely benign (1). 1 of the submissions does not count toward it. Last evaluated 2025-07-09.

Conditions:
ZNF469-related disorder. Also called: ZNF469-related condition.
Cardiovascular phenotype. Identifiers: MedGen CN230736.

Allele frequency attached by ClinVar (database versions not stated): TOPMed 0.00003; gnomAD 0.00004 and 0.00008; gnomAD exomes 0.00011 and 0.00021; 1000 Genomes Project 30x 0.00031; 1000 Genomes Project 0.00040; ExAC 0.00056.
gnomAD v4.1: 164 of 1,547,724 alleles (0.011%); highest among the groups gnomAD compares: South Asian, 0.14%; 4 homozygotes.

Submissions (4):

Women's Health and Genetics/Laboratory Corporation of America, LabCorp
Classification: Uncertain significance. Last evaluated: 2025-07-09. Review status: criteria provided, single submitter. Criteria: LabCorp Variant Classification Summary - May 2015. Collection method: clinical testing. Allele origin: germline.
Comment: Variant summary: ZNF469 c.4849C>T (p.Pro1617Ser) results in a non-conservative amino acid change in the encoded protein sequence. Algorithms developed to predict the effect of missense changes on protein structure and function are either unavailable or do not agree on the potential impact of this missense change. The variant allele was found at a frequency of 0.00021 in 149104 control chromosomes. This frequency is not significantly higher than estimated for a pathogenic variant in ZNF469 causing Brittle cornea syndrome 1, allowing no conclusion about variant significance. To our knowledge, no occurrence of c.4849C>T in individuals affected with Brittle cornea syndrome 1 and no experimental evidence demonstrating its impact on protein function have been reported. ClinVar contains an entry for this variant (Variation ID: 320929). Based on the evidence outlined above, the variant was classified as uncertain significance.

Labcorp Genetics (formerly Invitae), Labcorp
Classification: Uncertain significance. Last evaluated: 2021-12-30. Review status: criteria provided, single submitter. Criteria: Invitae Variant Classification Sherloc (09022015). Collection method: clinical testing. Allele origin: germline.
Comment: This sequence change replaces proline, which is neutral and non-polar, with serine, which is neutral and polar, at codon 1589 of the ZNF469 protein (p.Pro1589Ser). This variant is present in population databases (rs557351664, gnomAD 0.1%). This variant has not been reported in the literature in individuals affected with ZNF469-related conditions. Algorithms developed to predict the effect of missense changes on protein structure and function output the following: SIFT: "Tolerated"; PolyPhen-2: "Benign"; Align-GVGD: "Class C0". The serine amino acid residue is found in multiple mammalian species, which suggests that this missense change does not adversely affect protein function. In summary, the available evidence is currently insufficient to determine the role of this variant in disease. Therefore, it has been classified as a Variant of Uncertain Significance.

Ambry Genetics
Classification: Likely benign for Cardiovascular phenotype. Last evaluated: 2019-02-12. Review status: criteria provided, single submitter. Criteria: Ambry Variant Classification Scheme 2023. Collection method: clinical testing. Allele origin: germline.

PreventionGenetics, part of Exact Sciences
Classification: Uncertain significance for ZNF469-related condition. Last evaluated: 2024-08-12. Review status: no assertion criteria provided. Collection method: clinical testing. Allele origin: germline. Not counted in ClinVar's aggregate classification.
Comment: The ZNF469 c.4765C>T variant is predicted to result in the amino acid substitution p.Pro1589Ser. To our knowledge, this variant has not been reported in the literature. This variant is reported in 0.13% of alleles in individuals of South Asian descent in gnomAD. Although we suspect that this variant may be benign, at this time, the clinical significance of this variant is uncertain due to the absence of conclusive functional and genetic evidence.

NM_001367624.2(ZNF469):c.4849C>T (p.Pro1617Ser)

Gene: ZNF469 (zinc finger protein 469; plus strand). Cytogenetic location: 16q24.2.
Variant type: single nucleotide variant.
Coding change: c.4849C>T on transcript NM_001367624.2 (MANE Select); coding-DNA position 4849, C replaced by T.
Protein change: p.Pro1617Ser; replaces proline 1617 with serine.
Molecular consequence: missense variant.
Genome position (GRCh38, 1-based): chr16:88,432,319, C>T. VCF-style: chr16-88432319-C-T. GRCh37 (hg19) VCF-style: chr16-88498727-C-T.
Other names: NM_001127464.2:c.4765C>T; short protein forms P1617S.
Identifiers: ClinVar variation 320929 (VCV000320929.13), dbSNP rs557351664, ClinGen allele CA8225011.